The following is an entry in ClinVar:

ClinVar aggregate classification (germline): Uncertain significance (1 of 4 stars; one submission).

Conditions:
Developmental and epileptic encephalopathy, 12 (DEE12). Identifiers: MedGen C3150988, MONDO:0013389, OMIM 613722.

Submission:

Labcorp Genetics (formerly Invitae), Labcorp
Classification: Uncertain significance for Developmental and epileptic encephalopathy, 12. Last evaluated: 2021-06-02. Review status: criteria provided, single submitter. Criteria: Invitae Variant Classification Sherloc (09022015). Collection method: clinical testing. Allele origin: germline.
Comment: This sequence change replaces leucine with phenylalanine at codon 66 of the PLCB1 protein (p.Leu66Phe). The leucine residue is weakly conserved and there is a small physicochemical difference between leucine and phenylalanine. This variant is not present in population databases (ExAC no frequency). This variant has not been reported in the literature in individuals with PLCB1-related conditions. Algorithms developed to predict the effect of missense changes on protein structure and function are either unavailable or do not agree on the potential impact of this missense change (SIFT: "Deleterious"; PolyPhen-2: "Benign"; Align-GVGD: "Class C0"). In summary, the available evidence is currently insufficient to determine the role of this variant in disease. Therefore, it has been classified as a Variant of Uncertain Significance.

NM_015192.4(PLCB1):c.196C>T (p.Leu66Phe)

Gene: PLCB1 (phospholipase C beta 1; plus strand). Cytogenetic location: 20p12.3.
Variant type: single nucleotide variant.
Coding change: c.196C>T on transcript NM_015192.4 (MANE Select); coding-DNA position 196, C replaced by T.
Protein change: p.Leu66Phe; replaces leucine 66 with phenylalanine.
Molecular consequence: missense variant.
Genome position (GRCh38, 1-based): chr20:8,371,400, C>T. VCF-style: chr20-8371400-C-T. GRCh37 (hg19) VCF-style: chr20-8352047-C-T.
Other names: c.196C>T, p.Leu66Phe (NM_182734.3); short protein forms L66F.
Identifiers: ClinVar variation 1399015 (VCV001399015.8), dbSNP rs2122343584, ClinGen allele CA408262244.